The following is an entry in ClinVar:

NM_005157.6(ABL1):c.2941G>T (p.Val981Phe)

Gene: ABL1 (ABL proto-oncogene 1, non-receptor tyrosine kinase; plus strand). Cytogenetic location: 9q34.12.
Variant type: single nucleotide variant.
Coding change: c.2941G>T on transcript NM_005157.6 (MANE Select); coding-DNA position 2941, G replaced by T.
Protein change: p.Val981Phe; replaces valine 981 with phenylalanine.
Molecular consequence: missense variant.
Genome position (GRCh38, 1-based): chr9:130,885,231, G>T. VCF-style: chr9-130885231-G-T. GRCh37 (hg19) VCF-style: chr9-133760618-G-T.
Other names: c.2998G>T, p.Val1000Phe (NM_007313.3); short protein forms V1000F, V981F.
Identifiers: ClinVar variation 2864071 (VCV002864071.3), dbSNP rs769473644, ClinGen allele CA375260774.
Genomic context (GRCh38, chr9:130,885,231, plus strand): 5'-CCGGCCACTCCAAAGCCACAGTCCGCCAAGCCGTCGGGGACCCCCATCAGCCCAGCCCCC[G>T]TTCCCTCCACGTTGCCATCAGCATCCTCGGCCCTGGCAGGGGACCAGCCGTCTTCCACCG-3'
Protein context (NP_005148.2, residues 971-991): PSGTPISPAP[Val981Phe]PSTLPSASSA

ClinVar aggregate classification (germline): Uncertain significance (1 of 4 stars; one submission).

Submission:

Labcorp Genetics (formerly Invitae), Labcorp
Classification: Uncertain significance. Last evaluated: 2023-05-13. Review status: criteria provided, single submitter. Criteria: Invitae Variant Classification Sherloc (09022015). Collection method: clinical testing. Allele origin: germline.
Comment: This sequence change replaces valine, which is neutral and non-polar, with phenylalanine, which is neutral and non-polar, at codon 1000 of the ABL1 protein (p.Val1000Phe). This variant is not present in population databases (gnomAD no frequency). This variant has not been reported in the literature in individuals affected with ABL1-related conditions. Advanced modeling of protein sequence and biophysical properties (such as structural, functional, and spatial information, amino acid conservation, physicochemical variation, residue mobility, and thermodynamic stability) performed at Invitae indicates that this missense variant is not expected to disrupt ABL1 protein function. In summary, the available evidence is currently insufficient to determine the role of this variant in disease. Therefore, it has been classified as a Variant of Uncertain Significance.